The following is an entry in ClinVar:

ClinVar aggregate classification (germline): Uncertain significance (1 of 4 stars; one submission).

Conditions:
Epilepsy, idiopathic generalized, susceptibility to, 15 (EIG15). Identifiers: MedGen C5193050, MONDO:0032699, OMIM 618357.

Submission:

3billion
Classification: Uncertain significance for Epilepsy, idiopathic generalized, susceptibility to, 15. Last evaluated: 2024-09-26. Review status: criteria provided, single submitter. Criteria: ACMG Guidelines, 2015. Collection method: clinical testing. Allele origin: germline. Affected: yes.
Comment: The variant is not observed in the gnomAD v4.0.0 dataset. Predicted Consequence/Location: Missense variant. The majority of the known disease-causing variants of this gene are variants expected to result in premature termination of the protein. In silico tool predictions suggest damaging effect of the variant on gene or gene product [REVEL: 0.95 (>=0.6, sensitivity 0.68 and specificity 0.92); 3Cnet: 0.68 (>=0.6, sensitivity 0.72 and precision 0.9)]. Therefore, this variant is classified as VUS according to the recommendation of ACMG/AMP guideline.

NM_006914.4(RORB):c.209G>A (p.Cys70Tyr)

Gene: RORB (RAR related orphan receptor B; plus strand). Cytogenetic location: 9q21.13.
Variant type: single nucleotide variant.
Coding change: c.209G>A on transcript NM_006914.4 (MANE Select); coding-DNA position 209, G replaced by A.
Protein change: p.Cys70Tyr; replaces cysteine 70 with tyrosine.
Molecular consequence: missense variant.
Genome position (GRCh38, 1-based): chr9:74,634,746, G>A. VCF-style: chr9-74634746-G-A. GRCh37 (hg19) VCF-style: chr9-77249662-G-A.
Other names: c.242G>A, p.Cys81Tyr (NM_001365023.1); short protein forms C70Y, C81Y.
Identifiers: ClinVar variation 4292666 (VCV004292666.1).